The following is an entry in ClinVar:

NM_001267550.2(TTN):c.11521G>A (p.Val3841Ile)

Gene: TTN (titin; minus strand). Cytogenetic location: 2q31.2.
Variant type: single nucleotide variant.
Coding change: c.11521G>A on transcript NM_001267550.2 (MANE Select); coding-DNA position 11521, G replaced by A.
Protein change: p.Val3841Ile; replaces valine 3841 with isoleucine.
Molecular consequence: missense variant. On other transcripts: intron variant (1).
Genome position (GRCh38, 1-based): chr2:178,741,712, C>T on the plus strand (G>A on the coding strand, the complement: TTN is on the minus strand). VCF-style: chr2-178741712-C-T. GRCh37 (hg19) VCF-style: chr2-179606439-C-T.
Other names: c.11521G>A (NM_001267550.1); c.10570G>A, p.Val3524Ile (NM_001256850.1); c.10432G>A, p.Val3478Ile (NM_003319.4); c.10807G>A, p.Val3603Ile (NM_133432.3); c.11008G>A, p.Val3670Ile (NM_133437.4); c.10361-3352G>A (NM_133378.4); short protein forms V3478I, V3524I, V3603I, V3670I, V3841I.
Identifiers: ClinVar variation 1203151 (VCV001203151.8), dbSNP rs755132807, ClinGen allele CA2002843.

ClinVar aggregate classification (germline): Conflicting classifications of pathogenicity. Review status: criteria provided, conflicting classifications (1 of 4 stars). 3 submissions from 3 submitters: Uncertain significance (2); Benign (1). Last evaluated 2023-08-30.

Conditions:
Cardiomyopathy (CMYO). Also called: Cardiomyopathies. Identifiers: Orphanet 167848, MedGen C0878544, MONDO:0004994, HP:0001638. Inheritance: Various modes of inheritance.

Allele frequency attached by ClinVar (database versions not stated): ExAC 0.00001; gnomAD 0.00001; TOPMed 0.00001; gnomAD exomes 0.00002.
gnomAD v4.1: 38 of 1,613,616 alleles (0.0024%); highest among the groups gnomAD compares: Middle Eastern, 0.016%; no homozygotes.

Submissions (3):

GeneDx
Classification: Uncertain significance. Last evaluated: 2023-08-30. Review status: criteria provided, single submitter. Criteria: GeneDx Variant Classification Process June 2021. Collection method: clinical testing. Allele origin: germline. Affected: yes.
Comment: Has not been previously published as pathogenic or benign in association with cardiomyopathy to our knowledge; Not observed at significant frequency in large population cohorts (gnomAD); Missense variant in a gene in which most reported pathogenic variants are truncating/loss of function; This variant is associated with the following publications: (PMID: 25751731)

Blueprint Genetics
Classification: Benign. Last evaluated: 2023-01-04. Review status: criteria provided, single submitter. Criteria: ACMG Guidelines, 2015. Collection method: clinical testing. Allele origin: germline.

CHEO Genetics Diagnostic Laboratory, Children's Hospital of Eastern Ontario
Classification: Uncertain significance for Cardiomyopathy. Last evaluated: 2020-12-21. Review status: criteria provided, single submitter. Criteria: ACMG Guidelines, 2015. Collection method: clinical testing. Allele origin: germline.